The following is an entry in ClinVar:

NM_177438.3(DICER1):c.3776C>T (p.Ala1259Val)

Gene: DICER1 (dicer 1, ribonuclease III; minus strand). Cytogenetic location: 14q32.13.
Variant type: single nucleotide variant.
Coding change: c.3776C>T on transcript NM_177438.3 (MANE Select); coding-DNA position 3776, C replaced by T.
Protein change: p.Ala1259Val; replaces alanine 1259 with valine.
Molecular consequence: missense variant.
Genome position (GRCh38, 1-based): chr14:95,103,620, G>A on the plus strand (C>T on the coding strand, the complement: DICER1 is on the minus strand). VCF-style: chr14-95103620-G-A. GRCh37 (hg19) VCF-style: chr14-95569957-G-A.
Other names: c.3776C>T, p.Ala1259Val (NM_001195573.1, NM_001271282.3, NM_001291628.2 and 1 more transcripts); short protein forms A1259V.
Identifiers: ClinVar variation 651885 (VCV000651885.13), dbSNP rs1595364927, ClinGen allele CA390873520.
Genomic context (GRCh38, chr14:95,103,620, plus strand): 5'-TGCTCAGAATCCATCCTGCCCTTGAGCACTTGAATAGTGTCTGTCGTACCAGGCATTACG[G>A]CCATCACAGGACTTCCATCTGAGGTAGATTTGTTAGCATTTCCATCAAGGTATTTATTAC-3'
Protein context (NP_803187.1, residues 1249-1269): KSTSDGSPVM[Ala1259Val]VMPGTTDTIQ

ClinVar aggregate classification (germline): Uncertain significance. Review status: criteria provided, multiple submitters, no conflicts (2 of 4 stars). 2 submissions from 2 submitters: Uncertain significance (2). Last evaluated 2024-10-16.

Conditions:
DICER1-related tumor predisposition. Also called: DICER1-related pleuropulmonary blastoma cancer predisposition syndrome; DICER1 syndrome. Identifiers: Orphanet 284343, MedGen C3839822, MONDO:0100216.
Hereditary cancer-predisposing syndrome. Also called: Hereditary Cancer Syndrome; Tumor predisposition; Neoplastic Syndromes, Hereditary; Hereditary neoplastic syndrome. Identifiers: Orphanet 140162, MedGen C0027672, MeSH D009386, MONDO:0015356.

Allele frequency attached by ClinVar (database versions not stated): gnomAD exomes below 0.00001.
gnomAD v4.1: 2 of 1,614,150 alleles (0.00012%); highest among the groups gnomAD compares: African/African-American, 0.0013%; no homozygotes.

Submissions (2):

Ambry Genetics
Classification: Uncertain significance for Hereditary cancer-predisposing syndrome. Last evaluated: 2024-10-16. Review status: criteria provided, single submitter. Criteria: Ambry Variant Classification Scheme 2023. Collection method: clinical testing. Allele origin: germline.
Comment: The p.A1259V variant (also known as c.3776C>T), located in coding exon 20 of the DICER1 gene, results from a C to T substitution at nucleotide position 3776. The alanine at codon 1259 is replaced by valine, an amino acid with similar properties. This amino acid position is not well conserved in available vertebrate species. In addition, this alteration is predicted to be tolerated by in silico analysis. Based on the available evidence, the clinical significance of this variant remains unclear.

Labcorp Genetics (formerly Invitae), Labcorp
Classification: Uncertain significance for DICER1-related tumor predisposition. Last evaluated: 2024-07-31. Review status: criteria provided, single submitter. Criteria: Invitae Variant Classification Sherloc (09022015). Collection method: clinical testing. Allele origin: germline.
Comment: This sequence change replaces alanine, which is neutral and non-polar, with valine, which is neutral and non-polar, at codon 1259 of the DICER1 protein (p.Ala1259Val). This variant is not present in population databases (gnomAD no frequency). This variant has not been reported in the literature in individuals affected with DICER1-related conditions. ClinVar contains an entry for this variant (Variation ID: 651885). Advanced modeling of protein sequence and biophysical properties (such as structural, functional, and spatial information, amino acid conservation, physicochemical variation, residue mobility, and thermodynamic stability) performed at Invitae indicates that this missense variant is not expected to disrupt DICER1 protein function with a negative predictive value of 80%. In summary, the available evidence is currently insufficient to determine the role of this variant in disease. Therefore, it has been classified as a Variant of Uncertain Significance.